The following is an entry in ClinVar:

NM_172250.3(MMAA):c.-71G>C

Genes: MMAA (metabolism of cobalamin associated A; plus strand), LOC129993163 (ATAC-STARR-seq lymphoblastoid silent region 15731; plus strand). Cytogenetic location: 4q31.21.
Variant type: single nucleotide variant.
Coding change: c.-71G>C on transcript NM_172250.3 (MANE Select); 71 bases upstream of the start codon, G replaced by C.
Molecular consequence: 5 prime UTR variant.
Genome position (GRCh38, 1-based): chr4:145,619,402, G>C. VCF-style: chr4-145619402-G-C. GRCh37 (hg19) VCF-style: chr4-146540554-G-C.
Identifiers: ClinVar variation 392376 (VCV000392376.5), dbSNP rs992491091, ClinGen allele CA16604704.

ClinVar aggregate classification (germline): Conflicting classifications of pathogenicity. Review status: criteria provided, conflicting classifications (1 of 4 stars). 2 submissions from 2 submitters: Uncertain significance (1); Likely benign (1). Last evaluated 2018-01-12.

Conditions:
Methylmalonic aciduria, cblA type (MACA). Also called: Methylmalonic aciduria, vitamin B12-responsive; Methylmalonic aciduria, vitamin b12-responsive, due to defect in synthesis of adenosylcobalamin, cbla complementation type; MMA cbl A type; Methylmalonic acidemia cblA type; Vitamin B12-responsive methylmalonic acidemia type cblA. Identifiers: Orphanet 28, Orphanet 79310, MedGen C1855109, MONDO:0009613, OMIM 251100.

Allele frequency attached by ClinVar (database versions not stated): gnomAD 0.00003; TOPMed 0.00003.
gnomAD v4.1: 14 of 152,294 alleles (0.0092%); highest among the groups gnomAD compares: Admixed American, 0.033%; no homozygotes.

Submissions (2):

Illumina Laboratory Services, Illumina
Classification: Uncertain significance for Methylmalonic aciduria, cblA type. Last evaluated: 2018-01-12. Review status: criteria provided, single submitter. Criteria: ICSL Variant Classification Criteria 13 December 2019. Collection method: clinical testing. Allele origin: germline.

GeneDx
Classification: Likely benign. Last evaluated: 2017-07-06. Review status: criteria provided, single submitter. Criteria: GeneDx Variant Classification (06012015). Collection method: clinical testing. Allele origin: germline. Affected: yes.
Comment: This variant is considered likely benign or benign based on one or more of the following criteria: it is a conservative change, it occurs at a poorly conserved position in the protein, it is predicted to be benign by multiple in silico algorithms, and/or has population frequency not consistent with disease.